The following is an entry in ClinVar:

NM_007294.4(BRCA1):c.1549T>C (p.Phe517Leu)

Gene: BRCA1 (BRCA1 DNA repair associated; minus strand). Cytogenetic location: 17q21.31.
Variant type: single nucleotide variant.
Coding change: c.1549T>C on transcript NM_007294.4 (MANE Select); coding-DNA position 1549, T replaced by C.
Protein change: p.Phe517Leu; replaces phenylalanine 517 with leucine.
Molecular consequence: missense variant. On other transcripts: intron variant (137).
Genome position (GRCh38, 1-based): chr17:43,093,982, A>G on the plus strand (T>C on the coding strand, the complement: BRCA1 is on the minus strand). VCF-style: chr17-43093982-A-G. GRCh37 (hg19) VCF-style: chr17-41245999-A-G.
Other names: c.1408T>C, p.Phe470Leu (NM_007297.4, NM_001407692.1, NM_001407694.1 and 29 more transcripts); c.1549T>C, p.Phe517Leu (NM_007300.4, NM_001407858.1, NM_001407859.1 and 30 more transcripts); c.646+762T>C (NM_001408458.1, NM_001408469.1, NM_001408453.1 and 11 more transcripts); c.283+762T>C (NM_001408512.1); c.406+762T>C (NM_001408510.1); c.643+762T>C (NM_001408470.1, NM_001408464.1, NM_001408468.1 and 3 more transcripts); c.784+762T>C (NM_001408397.1, NM_001408401.1, NM_001408396.1 and 13 more transcripts); c.664+762T>C (NM_001408436.1, NM_001408444.1, NM_001408438.1 and 12 more transcripts); and 40 more; short protein forms F221L, F349L, F389L, F390L, F405L, F406L, F428L, F429L.
Identifiers: ClinVar variation 4856572 (VCV004856572.1).
Genomic context (GRCh38, chr17:43,093,982, plus strand): 5'-TAGTTCCCTGATTTATCATTTCAGGAGTCTTTTGAACTGCCAAATCTGCTTTCTTGATAA[A>G]ATCCTCAGGATGAAGGCCTGATGTAGGTCTCCTTTTACGCTTTAATTTATTTGTGAGGGG-3'
Protein context (NP_009225.1, residues 507-527): RPTSGLHPED[Phe517Leu]IKKADLAVQK

ClinVar aggregate classification (germline): Likely benign (1 of 4 stars; one submission).

Conditions:
Breast-ovarian cancer, familial, susceptibility to, 1 (BROVCA1). Also called: OVARIAN CANCER, SUSCEPTIBILITY TO; BRCA1 Hereditary Breast and Ovarian Cancer. Identifiers: Orphanet 145, MedGen C2676676, MONDO:0011450, OMIM 604370. Disease mechanism: loss of function.

gnomAD v4.1: 1 of 1,613,638 alleles (0.000062%); highest among the groups gnomAD compares: Non-Finnish European, 0.000085%; no homozygotes.

Submission:

Cancer Bioinformatics and Tumour Evolution Laboratory, Monash University
Classification: Likely benign for Breast-ovarian cancer, familial, susceptibility to, 1. Last evaluated: 2026-05-01. Review status: criteria provided, single submitter. Criteria: ClinGen BRCA1 and BRCA2 Guidelines, 2024. Collection method: curation. Allele origin: germline. Inheritance: Autosomal dominant inheritance.
Comment: Missense variant outside of a functional domain with no splice impact. BRCA1 and BRCA2 VCEP guidelines recommend application of BP1_Strong (PMID: 39142283)